The following is an entry in ClinVar:

NM_139318.5(KCNH5):c.2786C>G (p.Thr929Ser)

Gene: KCNH5 (potassium voltage-gated channel subfamily H member 5; minus strand). Cytogenetic location: 14q23.2.
Variant type: single nucleotide variant.
Coding change: c.2786C>G on transcript NM_139318.5 (MANE Select); coding-DNA position 2786, C replaced by G.
Protein change: p.Thr929Ser; replaces threonine 929 with serine.
Molecular consequence: missense variant. On other transcripts: 3 prime UTR variant (1).
Genome position (GRCh38, 1-based): chr14:62,707,689, G>C on the plus strand (C>G on the coding strand, the complement: KCNH5 is on the minus strand). VCF-style: chr14-62707689-G-C. GRCh37 (hg19) VCF-style: chr14-63174407-G-C.
Other names: c.*753C>G (NM_172375.3); short protein forms T929S.
Identifiers: ClinVar variation 2817547 (VCV002817547.3), dbSNP rs368604595, ClinGen allele CA262376532.

ClinVar aggregate classification (germline): Uncertain significance (1 of 4 stars; one submission).

Conditions:
Early-infantile DEE. Also called: Early infantile epileptic encephalopathy; Early infantile epileptic encephalopathy with suppression bursts; Ohtahara syndrome. Identifiers: Orphanet 1934, MedGen C0393706, MONDO:0800491.

Allele frequency attached by ClinVar (database versions not stated): ESP Exome Variant Server 0.00008.

Submission:

Labcorp Genetics (formerly Invitae), Labcorp
Classification: Uncertain significance for Early-infantile DEE. Last evaluated: 2023-07-14. Review status: criteria provided, single submitter. Criteria: Invitae Variant Classification Sherloc (09022015). Collection method: clinical testing. Allele origin: germline.
Comment: In summary, the available evidence is currently insufficient to determine the role of this variant in disease. Therefore, it has been classified as a Variant of Uncertain Significance. Advanced modeling of protein sequence and biophysical properties (such as structural, functional, and spatial information, amino acid conservation, physicochemical variation, residue mobility, and thermodynamic stability) performed at Invitae indicates that this missense variant is not expected to disrupt KCNH5 protein function. This variant has not been reported in the literature in individuals affected with KCNH5-related conditions. This variant is not present in population databases (gnomAD no frequency). This sequence change replaces threonine, which is neutral and polar, with serine, which is neutral and polar, at codon 929 of the KCNH5 protein (p.Thr929Ser).